The following is an entry in ClinVar:

NM_000179.3(MSH6):c.1944T>A (p.Ser648Arg)

Gene: MSH6 (mutS homolog 6; plus strand). Cytogenetic location: 2p16.3.
Variant type: single nucleotide variant.
Coding change: c.1944T>A on transcript NM_000179.3 (MANE Select); coding-DNA position 1944, T replaced by A.
Protein change: p.Ser648Arg; replaces serine 648 with arginine.
Molecular consequence: missense variant. On other transcripts: non-coding transcript variant (5), intron variant (2).
Genome position (GRCh38, 1-based): chr2:47,799,927, T>A. VCF-style: chr2-47799927-T-A. GRCh37 (hg19) VCF-style: chr2-48027066-T-A.
Other names: c.1554T>A, p.Ser518Arg (NM_001281492.2); c.1038T>A, p.Ser346Arg (NM_001281493.2, NM_001281494.2, NM_001406811.1 and 6 more transcripts); c.2040T>A, p.Ser680Arg (NM_001406795.1, NM_001406802.1); c.1944T>A, p.Ser648Arg (NM_001406796.1, NM_001406798.1, NM_001406800.1 and 3 more transcripts); c.1647T>A, p.Ser549Arg (NM_001406797.1, NM_001406801.1, NM_001406805.1 and 10 more transcripts); c.1419T>A, p.Ser473Arg (NM_001406799.1, NM_001406806.1, NM_001406807.1); c.1866T>A, p.Ser622Arg (NM_001406804.1); c.1950T>A, p.Ser650Arg (NM_001406813.1); and 3 more; short protein forms S473R, S549R, S592R, S680R, S346R, S518R, S622R, S648R.
Identifiers: ClinVar variation 4656319 (VCV004656319.1).

ClinVar aggregate classification (germline): Uncertain significance (1 of 4 stars; one submission).

Conditions:
Hereditary cancer-predisposing syndrome. Also called: Neoplastic Syndromes, Hereditary; Tumor predisposition; Hereditary Cancer Syndrome; Hereditary neoplastic syndrome. Identifiers: Orphanet 140162, MedGen C0027672, MeSH D009386, MONDO:0015356.

Submission:

Ambry Genetics
Classification: Uncertain significance for Hereditary cancer-predisposing syndrome. Last evaluated: 2025-11-08. Review status: criteria provided, single submitter. Criteria: Ambry Variant Classification Scheme 2023. Collection method: clinical testing. Allele origin: germline.
Comment: The p.S648R variant (also known as c.1944T>A), located in coding exon 4 of the MSH6 gene, results from a T to A substitution at nucleotide position 1944. The serine at codon 648 is replaced by arginine, an amino acid with dissimilar properties. This amino acid position is conserved. In addition, this alteration is predicted to be tolerated by in silico analysis. Based on the available evidence, the clinical significance of this variant remains unclear.